The following is an entry in ClinVar:

ClinVar aggregate classification (germline): Likely benign (1 of 4 stars; one submission).

Conditions:
Lynch syndrome 5 (LYNCH5). Also called: Colorectal cancer, hereditary nonpolyposis, type 5; Hereditary non-polyposis colorectal cancer, type 5. Identifiers: Orphanet 144, MedGen C1833477, MONDO:0013710, OMIM 614350. Disease mechanism: loss of function.

Submission:

Myriad Genetics, Inc.
Classification: Likely benign for Lynch syndrome 5. Last evaluated: 2024-12-18. Review status: criteria provided, single submitter. Criteria: Myriad Autosomal Dominant, Autosomal Recessive and X-Linked Classification Criteria (2023). Collection method: clinical testing. Allele origin: unknown.
Comment: This variant is considered likely benign. This variant is intronic and is not expected to impact mRNA splicing.

NM_000179.3(MSH6):c.261-8G>T

Gene: MSH6 (mutS homolog 6; plus strand). Cytogenetic location: 2p16.3.
Variant type: single nucleotide variant.
Coding change: c.261-8G>T on transcript NM_000179.3 (MANE Select); 8 bases into the intron before coding-DNA position 261, G replaced by T.
Molecular consequence: intron variant. On other transcripts: 5 prime UTR variant (1).
Genome position (GRCh38, 1-based): chr2:47,790,919, G>T. VCF-style: chr2-47790919-G-T. GRCh37 (hg19) VCF-style: chr2-48018058-G-T.
Other names: c.-45G>T (NM_001406830.1); c.261-8G>T (NM_001406809.1, NM_001406796.1, NM_001406813.1 and 6 more transcripts); c.-476-8G>T (NM_001406811.1, NM_001281493.2, NM_001406829.1 and 1 more transcripts); c.-37-8G>T (NM_001406805.1, NM_001406797.1, NM_001406801.1 and 9 more transcripts); c.357-8G>T (NM_001406795.1, NM_001406802.1); c.-668-8G>T (NM_001406807.1); c.-734-8G>T (NM_001406814.1); c.-323-8G>T (NM_001406812.1); and 7 more.
Identifiers: ClinVar variation 3903545 (VCV003903545.1).